The following is an entry in ClinVar:

ClinVar aggregate classification (germline): Uncertain significance (1 of 4 stars; one submission).

Submission:

CeGaT Center for Human Genetics Tuebingen
Classification: Uncertain significance. Last evaluated: 2026-02-01. Review status: criteria provided, single submitter. Criteria: CeGaT Center For Human Genetics Tuebingen Variant Classification Criteria Version 2. Collection method: clinical testing. Allele origin: germline. Affected: yes. Observed: 1 variant allele.
Comment: EEF1A2: PM2, PP2

NM_001958.5(EEF1A2):c.1000C>A (p.Pro334Thr)

Gene: EEF1A2 (eukaryotic translation elongation factor 1 alpha 2; minus strand). Cytogenetic location: 20q13.33.
Variant type: single nucleotide variant.
Coding change: c.1000C>A on transcript NM_001958.5 (MANE Select); coding-DNA position 1000, C replaced by A.
Protein change: p.Pro334Thr; replaces proline 334 with threonine.
Molecular consequence: missense variant.
Genome position (GRCh38, 1-based): chr20:63,490,508, G>T on the plus strand (C>A on the coding strand, the complement: EEF1A2 is on the minus strand). VCF-style: chr20-63490508-G-T. GRCh37 (hg19) VCF-style: chr20-62121861-G-T.
Other names: short protein forms P334T.
Identifiers: ClinVar variation 4823207 (VCV004823207.4).